The following is an entry in ClinVar:

ClinVar aggregate classification (germline): Uncertain significance (1 of 4 stars; one submission).

Conditions:
Brugada syndrome 8 (BRGDA8). Identifiers: Orphanet 130, MedGen C2751083, MONDO:0013148, OMIM 613123.

gnomAD v4.1: 1 of 1,576,524 alleles (0.000063%); highest among the groups gnomAD compares: Non-Finnish European, 0.000086%; no homozygotes.

Submission:

Labcorp Genetics (formerly Invitae), Labcorp
Classification: Uncertain significance for Brugada syndrome 8. Last evaluated: 2020-10-08. Review status: criteria provided, single submitter. Criteria: Invitae Variant Classification Sherloc (09022015). Collection method: clinical testing. Allele origin: germline.
Comment: This sequence change results in a premature translational stop signal in the HCN4 gene (p.Glu981*). While this is not anticipated to result in nonsense mediated decay, it is expected to disrupt the last 223 amino acid(s) of the HCN4 protein. This variant is not present in population databases (ExAC no frequency). This variant has not been reported in the literature in individuals with HCN4-related conditions. Algorithms developed to predict the effect of sequence changes on RNA splicing suggest that this variant may create or strengthen a splice site, but this prediction has not been confirmed by published transcriptional studies. In summary, the available evidence is currently insufficient to determine the role of this variant in disease. Therefore, it has been classified as a Variant of Uncertain Significance.

NM_005477.3(HCN4):c.2941G>T (p.Glu981Ter)

Gene: HCN4 (hyperpolarization activated cyclic nucleotide gated potassium channel 4; minus strand). Cytogenetic location: 15q24.1.
Variant type: single nucleotide variant.
Coding change: c.2941G>T on transcript NM_005477.3 (MANE Select); coding-DNA position 2941, G replaced by T.
Protein change: p.Glu981Ter; replaces glutamic acid 981 with a stop codon.
Molecular consequence: nonsense.
Genome position (GRCh38, 1-based): chr15:73,323,152, C>A on the plus strand (G>T on the coding strand, the complement: HCN4 is on the minus strand). VCF-style: chr15-73323152-C-A. GRCh37 (hg19) VCF-style: chr15-73615493-C-A.
Other names: short protein forms E981*.
Identifiers: ClinVar variation 1004050 (VCV001004050.8), dbSNP rs1395656450, ClinGen allele CA393086774.